The following is an entry in ClinVar:

NM_000232.5(SGCB):c.915G>A (p.Met305Ile)

Gene: SGCB (sarcoglycan beta; minus strand). Cytogenetic location: 4q12.
Variant type: single nucleotide variant.
Coding change: c.915G>A on transcript NM_000232.5 (MANE Select); coding-DNA position 915, G replaced by A.
Protein change: p.Met305Ile; replaces methionine 305 with isoleucine.
Molecular consequence: missense variant.
Genome position (GRCh38, 1-based): chr4:52,023,999, C>T on the plus strand (G>A on the coding strand, the complement: SGCB is on the minus strand). VCF-style: chr4-52023999-C-T. GRCh37 (hg19) VCF-style: chr4-52890165-C-T.
Other names: short protein forms M305I.
Identifiers: ClinVar variation 942314 (VCV000942314.7), dbSNP rs1408223045, ClinGen allele CA356874987.
Genomic context (GRCh38, chr4:52,023,999, plus strand): 5'-GTGACCTCTGGGGTTCTTTTAATGAGTGTTTCCACAGGGGTTGTCTGAGATTTGGCAGCC[C>T]ATGTTCTGGCTGGTTACTTGCACCTTGAAGAGCGTCCCATCAGCACACATGCAGAGCTTG-3'
Protein context (NP_000223.1, residues 295-315): LFKVQVTSQN[Met305Ile]GCQISDNPCG

ClinVar aggregate classification (germline): Uncertain significance (1 of 4 stars; one submission).

Conditions:
Autosomal recessive limb-girdle muscular dystrophy type 2E (LGMDR4). Also called: MUSCULAR DYSTROPHY, LIMB-GIRDLE, AUTOSOMAL RECESSIVE 4. Identifiers: Orphanet 119, MedGen C1858593, MONDO:0011423, OMIM 604286. Disease mechanism: Affects gamma-sarcoglycan and also disrupts the integrity of the entire sarcoglycan complex..

Allele frequency attached by ClinVar (database versions not stated): TOPMed below 0.00001; gnomAD exomes 0.00001.
gnomAD v4.1: 4 of 1,614,148 alleles (0.00025%); highest among the groups gnomAD compares: Non-Finnish European, 0.00034%; no homozygotes.

Submission:

Labcorp Genetics (formerly Invitae), Labcorp
Classification: Uncertain significance for Autosomal recessive limb-girdle muscular dystrophy type 2E. Last evaluated: 2022-03-03. Review status: criteria provided, single submitter. Criteria: Invitae Variant Classification Sherloc (09022015). Collection method: clinical testing. Allele origin: germline.
Comment: This sequence change replaces methionine, which is neutral and non-polar, with isoleucine, which is neutral and non-polar, at codon 305 of the SGCB protein (p.Met305Ile). This variant is present in population databases (no rsID available, gnomAD 0.002%). This variant has not been reported in the literature in individuals affected with SGCB-related conditions. ClinVar contains an entry for this variant (Variation ID: 942314). Algorithms developed to predict the effect of missense changes on protein structure and function (SIFT, PolyPhen-2, Align-GVGD) all suggest that this variant is likely to be tolerated. In summary, the available evidence is currently insufficient to determine the role of this variant in disease. Therefore, it has been classified as a Variant of Uncertain Significance.